The following is an entry in ClinVar:

ClinVar aggregate classification (germline): Uncertain significance (1 of 4 stars; one submission).

Allele frequency attached by ClinVar (database versions not stated): ExAC 0.00001; TOPMed 0.00001.
gnomAD v4.1: 5 of 1,614,112 alleles (0.00031%); highest among the groups gnomAD compares: Admixed American, 0.0083%; no homozygotes.

Submission:

Labcorp Genetics (formerly Invitae), Labcorp
Classification: Uncertain significance. Last evaluated: 2025-11-09. Review status: criteria provided, single submitter. Criteria: Invitae Variant Classification Sherloc (09022015). Collection method: clinical testing. Allele origin: germline.
Comment: This sequence change replaces lysine, which is basic and polar, with arginine, which is basic and polar, at codon 854 of the LPIN1 protein (p.Lys854Arg). This variant is present in population databases (rs771825344, gnomAD 0.01%). This variant has not been reported in the literature in individuals affected with LPIN1-related conditions. ClinVar contains an entry for this variant (Variation ID: 2196981). Invitae Evidence Modeling of protein sequence and biophysical properties (such as structural, functional, and spatial information, amino acid conservation, physicochemical variation, residue mobility, and thermodynamic stability) indicates that this missense variant is not expected to disrupt LPIN1 protein function with a negative predictive value of 80%. In summary, the available evidence is currently insufficient to determine the role of this variant in disease. Therefore, it has been classified as a Variant of Uncertain Significance.

NM_001349206.2(LPIN1):c.2669A>G (p.Lys890Arg)

Gene: LPIN1 (lipin 1; plus strand). Cytogenetic location: 2p25.1.
Variant type: single nucleotide variant.
Coding change: c.2669A>G on transcript NM_001349206.2 (MANE Select); coding-DNA position 2669, A replaced by G.
Protein change: p.Lys890Arg; replaces lysine 890 with arginine.
Molecular consequence: missense variant. On other transcripts: non-coding transcript variant (1).
Genome position (GRCh38, 1-based): chr2:11,824,679, A>G. VCF-style: chr2-11824679-A-G. GRCh37 (hg19) VCF-style: chr2-11964805-A-G.
Other names: c.2579A>G, p.Lys860Arg (NM_001261427.3); c.2816A>G, p.Lys939Arg (NM_001261428.3); c.2561A>G, p.Lys854Arg (NM_001349199.2, NM_145693.4); c.2639A>G, p.Lys880Arg (NM_001349200.2, NM_001349201.2); c.2666A>G, p.Lys889Arg (NM_001349202.2, NM_001349203.2); c.2669A>G, p.Lys890Arg (NM_001349204.2, NM_001349205.2); c.2759A>G, p.Lys920Arg (NM_001349207.2); c.2708A>G, p.Lys903Arg (NM_001349208.2); short protein forms K860R, K880R, K939R, K854R, K889R, K890R, K903R, K920R.
Identifiers: ClinVar variation 2196981 (VCV002196981.4), dbSNP rs771825344, ClinGen allele CA1534171.
Genomic context (GRCh38, chr2:11,824,679, plus strand): 5'-CCTTTCCTTCCAGGTATGTGAGACTCTGTGAAGTAGTCGACCACGTTTTCCCGTTGCTGA[A>G]AAGAAGCCATTCTTCAGACTTTCCCTGTTCGGATACCTTCAGTAACTTCACCTTTTGGAG-3'
Protein context (NP_001336135.1, residues 880-900): EVVDHVFPLL[Lys890Arg]RSHSSDFPCS